The following is an entry in ClinVar:

NM_019851.3(FGF20):c.238C>T (p.Leu80=)

Gene: FGF20 (fibroblast growth factor 20; minus strand). Cytogenetic location: 8p22.
Variant type: single nucleotide variant.
Coding change: c.238C>T on transcript NM_019851.3 (MANE Select); coding-DNA position 238, C replaced by T.
Protein change: p.Leu80=; no amino-acid change (leucine 80 retained).
Molecular consequence: synonymous variant.
Genome position (GRCh38, 1-based): chr8:17,001,795, G>A on the plus strand (C>T on the coding strand, the complement: FGF20 is on the minus strand). VCF-style: chr8-17001795-G-A. GRCh37 (hg19) VCF-style: chr8-16859304-G-A.
Identifiers: ClinVar variation 3041307 (VCV003041307.2), dbSNP rs1402726873, ClinGen allele CA459634939.
Genomic context (GRCh38, chr8:17,001,795, plus strand): 5'-GCTAGTACGTACCGAAGAGGCTGTGGTCCTGCCGGGTGCCCTGCACGCTGCCGTCGGGCA[G>A]GATCTGCAGGTGGAAGCCGGTGCGGCAATAGAGCTGCCGGCGGCGCAGGATGCCGTGCAG-3'
Protein context (NP_062825.1, residues 70-90): YCRTGFHLQI[Leu80=]PDGSVQGTRQ

ClinVar aggregate classification (germline): Likely benign (0 of 4 stars; one submission).

Conditions:
FGF20-related disorder. Also called: FGF20-related condition.

Submission:

PreventionGenetics, part of Exact Sciences
Classification: Likely benign for FGF20-related condition. Last evaluated: 2021-10-04. Review status: no assertion criteria provided. Collection method: clinical testing. Allele origin: germline.
Comment: This variant is classified as likely benign based on ACMG/AMP sequence variant interpretation guidelines (Richards et al. 2015 PMID: 25741868, with internal and published modifications).